The following is an entry in ClinVar:

ClinVar aggregate classification (germline): Uncertain significance (1 of 4 stars; one submission).

Submission:

Labcorp Genetics (formerly Invitae), Labcorp
Classification: Uncertain significance. Last evaluated: 2022-02-05. Review status: criteria provided, single submitter. Criteria: Invitae Variant Classification Sherloc (09022015). Collection method: clinical testing. Allele origin: germline.
Comment: Experimental studies and prediction algorithms are not available or were not evaluated, and the functional significance of this variant is currently unknown. This variant has not been reported in the literature in individuals affected with KIZ-related conditions. This variant is not present in population databases (gnomAD no frequency). In summary, the available evidence is currently insufficient to determine the role of this variant in disease. Therefore, it has been classified as a Variant of Uncertain Significance. This sequence change replaces glutamic acid, which is acidic and polar, with glutamine, which is neutral and polar, at codon 85 of the KIZ protein (p.Glu85Gln).

NM_018474.6(KIZ):c.253G>C (p.Glu85Gln)

Genes: KIZ (kizuna centrosomal protein; plus strand), LOC130065509 (ATAC-STARR-seq lymphoblastoid active region 17619; plus strand). Cytogenetic location: 20p11.23.
Variant type: single nucleotide variant.
Coding change: c.253G>C on transcript NM_018474.6 (MANE Select); coding-DNA position 253, G replaced by C.
Protein change: p.Glu85Gln; replaces glutamic acid 85 with glutamine.
Molecular consequence: missense variant. On other transcripts: 5 prime UTR variant (1), intron variant (4).
Genome position (GRCh38, 1-based): chr20:21,136,490, G>C. VCF-style: chr20-21136490-G-C. GRCh37 (hg19) VCF-style: chr20-21117131-G-C.
Other names: c.253G>C, p.Glu85Gln (NM_001352434.2); c.-134G>C (NM_001352436.2); c.169-9075G>C (NM_001276389.2); c.6+4331G>C (NM_001163022.3, NM_001352435.2, NM_001163023.3); short protein forms E85Q.
Identifiers: ClinVar variation 1350496 (VCV001350496.6), dbSNP rs2122373298, ClinGen allele CA408488548.